The following is an entry in ClinVar:

ClinVar aggregate classification (germline): Likely pathogenic (1 of 4 stars; one submission).

Conditions:
Congenital contractural arachnodactyly (CCA). Also called: BEALS SYNDROME; Beals-Hecht syndrome; Arthrogryposis, distal, type 9. Identifiers: Orphanet 115, MedGen C0220668, MONDO:0007363, OMIM 121050.

Submission:

Labcorp Genetics (formerly Invitae), Labcorp
Classification: Likely pathogenic for Congenital contractural arachnodactyly. Last evaluated: 2025-02-18. Review status: criteria provided, single submitter. Criteria: Invitae Variant Classification Sherloc (09022015). Collection method: clinical testing. Allele origin: germline.
Comment: This sequence change replaces cysteine, which is neutral and slightly polar, with glycine, which is neutral and non-polar, at codon 1365 of the FBN2 protein (p.Cys1365Gly). This variant is not present in population databases (gnomAD no frequency). This variant has not been reported in the literature in individuals affected with FBN2-related conditions. Invitae Evidence Modeling of protein sequence and biophysical properties (such as structural, functional, and spatial information, amino acid conservation, physicochemical variation, residue mobility, and thermodynamic stability) indicates that this missense variant is expected to disrupt FBN2 protein function with a positive predictive value of 80%. This variant affects a cysteine residue located within an epidermal growth factor (EGF)–like domain of the FBN2 protein. Cysteine residues in these domains are involved in the formation of disulfide bridges critical for protein structure and stability (PMID: 3495735, 4750422, 16677079). In addition, missense substitutions within the FBN2 EGF-like domains affecting cysteine residues are overrepresented in patients with congenital contractural arachnodactyly (PMID: 18767143). In summary, the currently available evidence indicates that the variant is pathogenic, but additional data are needed to prove that conclusively. Therefore, this variant has been classified as Likely Pathogenic.

Literature cited by the submitters: PubMed 3495735; PubMed 4750422; PubMed 16677079; PubMed 18767143.

NM_001999.4(FBN2):c.4093T>G (p.Cys1365Gly)

Gene: FBN2 (fibrillin 2; minus strand). Cytogenetic location: 5q23.3.
Variant type: single nucleotide variant.
Coding change: c.4093T>G on transcript NM_001999.4 (MANE Select); coding-DNA position 4093, T replaced by G.
Protein change: p.Cys1365Gly; replaces cysteine 1365 with glycine.
Molecular consequence: missense variant.
Genome position (GRCh38, 1-based): chr5:128,334,725, A>C on the plus strand (T>G on the coding strand, the complement: FBN2 is on the minus strand). VCF-style: chr5-128334725-A-C. GRCh37 (hg19) VCF-style: chr5-127670417-A-C.
Other names: short protein forms C1365G.
Identifiers: ClinVar variation 3671577 (VCV003671577.2).
Genomic context (GRCh38, chr5:128,334,725, plus strand): 5'-TGGCCTTTGACATCTGAGAAGTTGAAATACAGAGAACACAAGCTTGAAACCTACCTGTAC[A>C]TCCTGTGGTCCCCTTCTTCACTGAGTAACCCAGCTGACAGTGGCAAATGAAGGATCCCTT-3'
Protein context (NP_001990.2, residues 1355-1375): GYSVKKGTTG[Cys1365Gly]TDVDECEIGA